The following is an entry in ClinVar:

ClinVar aggregate classification (germline): Uncertain significance (1 of 4 stars; one submission).

Allele frequency attached by ClinVar (database versions not stated): gnomAD exomes below 0.00001.
gnomAD v4.1: 1 of 1,613,950 alleles (0.000062%); highest among the groups gnomAD compares: Middle Eastern, 0.016%; no homozygotes.

Submission:

Labcorp Genetics (formerly Invitae), Labcorp
Classification: Uncertain significance. Last evaluated: 2022-08-09. Review status: criteria provided, single submitter. Criteria: Invitae Variant Classification Sherloc (09022015). Collection method: clinical testing. Allele origin: germline.
Comment: This variant is not present in population databases (gnomAD no frequency). This sequence change replaces valine, which is neutral and non-polar, with leucine, which is neutral and non-polar, at codon 142 of the CA4 protein (p.Val142Leu). This variant has not been reported in the literature in individuals affected with CA4-related conditions. In summary, the available evidence is currently insufficient to determine the role of this variant in disease. Therefore, it has been classified as a Variant of Uncertain Significance. Algorithms developed to predict the effect of missense changes on protein structure and function are either unavailable or do not agree on the potential impact of this missense change (SIFT: "Not Available"; PolyPhen-2: "Probably Damaging"; Align-GVGD: "Not Available").

NM_000717.5(CA4):c.424G>C (p.Val142Leu)

Gene: CA4 (carbonic anhydrase 4; plus strand). Cytogenetic location: 17q23.1.
Variant type: single nucleotide variant.
Coding change: c.424G>C on transcript NM_000717.5 (MANE Select); coding-DNA position 424, G replaced by C.
Protein change: p.Val142Leu; replaces valine 142 with leucine.
Molecular consequence: missense variant. On other transcripts: non-coding transcript variant (1).
Genome position (GRCh38, 1-based): chr17:60,157,699, G>C. VCF-style: chr17-60157699-G-C. GRCh37 (hg19) VCF-style: chr17-58235060-G-C.
Other names: short protein forms V142L.
Identifiers: ClinVar variation 1715802 (VCV001715802.5), dbSNP rs2544521164, ClinGen allele CA400456011.